The following is an entry in ClinVar:

ClinVar aggregate classification (germline): Likely benign. Review status: criteria provided, multiple submitters, no conflicts (2 of 4 stars). 4 submissions from 4 submitters: Likely benign (2). 2 of the submissions do not count toward it. Last evaluated 2025-11-20.

Conditions:
Dyskeratosis congenita, autosomal recessive 5 (DKCB5). Identifiers: MedGen C3554656, MONDO:0014076, OMIM 615190.
Pulmonary fibrosis and/or bone marrow failure, Telomere-related, 3. Also called: PULMONARY FIBROSIS AND/OR BONE MARROW FAILURE SYNDROME, TELOMERE-RELATED, 3. Identifiers: Orphanet 2032, MedGen C4225346, MONDO:0014613, OMIM 616373.
RTEL1-related disorder. Also called: RTEL1-related disorders; RTEL1-related condition.
Dyskeratosis congenita. Identifiers: Orphanet 1775, MedGen C0265965, MONDO:0015780.

Allele frequency attached by ClinVar (database versions not stated): gnomAD exomes 0.00011; ExAC 0.00015; ESP Exome Variant Server 0.00023; gnomAD 0.00027 and 0.00029; TOPMed 0.00034; 1000 Genomes Project 30x 0.00047; 1000 Genomes Project 0.00060.
gnomAD v4.1: 95 of 1,604,916 alleles (0.0059%); highest among the groups gnomAD compares: African/African-American, 0.092%; no homozygotes.

Submissions (4):

Labcorp Genetics (formerly Invitae), Labcorp
Classification: Likely benign for Dyskeratosis congenita, autosomal recessive 5; Pulmonary fibrosis and/or bone marrow failure, Telomere-related, 3. Last evaluated: 2025-11-20. Review status: criteria provided, single submitter. Criteria: Invitae Variant Classification Sherloc (09022015). Collection method: clinical testing. Allele origin: germline.

Blueprint Genetics
Classification: Likely benign. Last evaluated: 2022-08-02. Review status: criteria provided, single submitter. Criteria: ACMG Guidelines, 2015. Collection method: clinical testing. Allele origin: germline.

PreventionGenetics, part of Exact Sciences
Classification: Likely benign for RTEL1-related condition. Last evaluated: 2021-02-09. Review status: no assertion criteria provided. Collection method: clinical testing. Allele origin: germline. Not counted in ClinVar's aggregate classification.
Comment: This variant is classified as likely benign based on ACMG/AMP sequence variant interpretation guidelines (Richards et al. 2015 PMID: 25741868, with internal and published modifications).

Natera, Inc.
Classification: Likely benign for Dyskeratosis congenita. Last evaluated: 2020-09-16. Review status: no assertion criteria provided. Collection method: clinical testing. Allele origin: germline. Not counted in ClinVar's aggregate classification.

NM_001283009.2(RTEL1):c.1037+10G>A

Genes: RTEL1 (regulator of telomere elongation helicase 1; plus strand), RTEL1-TNFRSF6B (RTEL1-TNFRSF6B readthrough (NMD candidate); plus strand). Cytogenetic location: 20q13.33.
Variant type: single nucleotide variant.
Coding change: c.1037+10G>A on transcript NM_001283009.2 (MANE Select); 10 bases into the intron after coding-DNA position 1037, G replaced by A.
Molecular consequence: intron variant.
Genome position (GRCh38, 1-based): chr20:63,678,356, G>A. VCF-style: chr20-63678356-G-A. GRCh37 (hg19) VCF-style: chr20-62309709-G-A.
Other names: c.368+10G>A (NM_001283010.1); c.1109+10G>A (NM_032957.5); c.1037+10G>A (NM_016434.4).
Identifiers: ClinVar variation 763174 (VCV000763174.15), dbSNP rs368590236, ClinGen allele CA9964570.